The following is an entry in ClinVar:

NM_000051.4(ATM):c.532C>T (p.Pro178Ser)

Gene: ATM (ATM serine/threonine kinase; plus strand). Cytogenetic location: 11q22.3.
Variant type: single nucleotide variant.
Coding change: c.532C>T on transcript NM_000051.4 (MANE Select); coding-DNA position 532, C replaced by T.
Protein change: p.Pro178Ser; replaces proline 178 with serine.
Molecular consequence: missense variant.
Genome position (GRCh38, 1-based): chr11:108,243,988, C>T. VCF-style: chr11-108243988-C-T. GRCh37 (hg19) VCF-style: chr11-108114715-C-T.
Other names: c.532C>T, p.Pro178Ser (NM_001351834.2); short protein forms P178S.
Identifiers: ClinVar variation 184942 (VCV000184942.6), dbSNP rs786201807, ClinGen allele CA190540.

ClinVar aggregate classification (germline): Uncertain significance. Review status: criteria provided, multiple submitters, no conflicts (2 of 4 stars). 2 submissions from 2 submitters: Uncertain significance (2). Last evaluated 2023-05-12.

Conditions:
Hereditary cancer-predisposing syndrome. Also called: Hereditary neoplastic syndrome; Neoplastic Syndromes, Hereditary; Tumor predisposition; Hereditary Cancer Syndrome. Identifiers: Orphanet 140162, MedGen C0027672, MeSH D009386, MONDO:0015356.

gnomAD v4.1: 1 of 1,607,548 alleles (0.000062%); highest among the groups gnomAD compares: Non-Finnish European, 0.000085%; no homozygotes.

Submissions (2):

Color Diagnostics, LLC DBA Color Health
Classification: Uncertain significance for Hereditary cancer-predisposing syndrome. Last evaluated: 2023-05-12. Review status: criteria provided, single submitter. Criteria: ACMG Guidelines, 2015. Collection method: clinical testing. Allele origin: germline.
Comment: This missense variant replaces proline with serine at codon 178 of the ATM protein. Computational prediction suggests that this variant may not impact protein structure and function (internally defined REVEL score threshold <= 0.5, PMID: 27666373). To our knowledge, functional studies have not been reported for this variant. This variant has not been reported in individuals affected with ATM-related disorders in the literature. This variant has not been identified in the general population by the Genome Aggregation Database (gnomAD). The available evidence is insufficient to determine the role of this variant in disease conclusively. Therefore, this variant is classified as a Variant of Uncertain Significance.

Ambry Genetics
Classification: Uncertain significance for Hereditary cancer-predisposing syndrome. Last evaluated: 2017-03-15. Review status: criteria provided, single submitter. Criteria: Ambry Autosomal Dominant and X-Linked criteria (3/2017). Collection method: clinical testing. Allele origin: germline. Observed: 1 variant allele.
Comment: The p.P178S variant (also known as c.532C>T), located in coding exon 5 of the ATM gene, results from a C to T substitution at nucleotide position 532. The proline at codon 178 is replaced by serine, an amino acid with similar properties. This amino acid position is highly conserved in available vertebrate species. In addition, this alteration is predicted to be tolerated by in silico analysis. Since supporting evidence is limited at this time, the clinical significance of this alteration remains unclear.